The following is an entry in ClinVar:

ClinVar aggregate classification (germline): Uncertain significance. Review status: criteria provided, multiple submitters, no conflicts (2 of 4 stars). 5 submissions from 5 submitters: Uncertain significance (5). Last evaluated 2026-03-12.

Conditions:
Autoinflammatory syndrome. Identifiers: Orphanet 93665, MedGen C3890737, MONDO:0019751.
PRF1-related disorder. Also called: PRF1-related condition.
Familial hemophagocytic lymphohistiocytosis 2 (FHL2). Also called: PRF1-Related Familial Hemophagocytic Lymphohistiocytosis (PRF1-fHLH). Identifiers: Orphanet 540, MedGen C1863727, MONDO:0011337, OMIM 603553.

Allele frequency attached by ClinVar (database versions not stated): ExAC 0.00013; TOPMed 0.00013; gnomAD exomes 0.00014; ESP Exome Variant Server 0.00015; gnomAD 0.00015 and 0.00016.

Submissions (5):

PreventionGenetics, part of Exact Sciences
Classification: Uncertain significance for PRF1-related condition. Last evaluated: 2026-03-12. Review status: criteria provided, single submitter. Criteria: ACMG Guidelines, 2015. Collection method: clinical testing. Allele origin: germline.
Comment: The PRF1 c.1202C>T variant is predicted to result in the amino acid substitution p.Ala401Val. To our knowledge, this variant has not been reported in the literature. This variant is reported in 0.026% of alleles in individuals of European (Non-Finnish) descent in gnomAD. At this time, the clinical significance of this variant is uncertain due to the absence of conclusive functional and genetic evidence.

Mayo Clinic Laboratories, Mayo Clinic
Classification: Uncertain significance. Last evaluated: 2025-03-11. Review status: criteria provided, single submitter. Criteria: ACMG Guidelines, 2015. Collection method: clinical testing. Allele origin: germline. Observed: 4 variant alleles.
Comment: BP4

Labcorp Genetics (formerly Invitae), Labcorp
Classification: Uncertain significance for Familial hemophagocytic lymphohistiocytosis 2. Last evaluated: 2022-06-13. Review status: criteria provided, single submitter. Criteria: Invitae Variant Classification Sherloc (09022015). Collection method: clinical testing. Allele origin: germline.
Comment: This sequence change replaces alanine, which is neutral and non-polar, with valine, which is neutral and non-polar, at codon 401 of the PRF1 protein (p.Ala401Val). This variant is present in population databases (rs144242324, gnomAD 0.03%). This variant has not been reported in the literature in individuals affected with PRF1-related conditions. ClinVar contains an entry for this variant (Variation ID: 844947). Algorithms developed to predict the effect of missense changes on protein structure and function (SIFT, PolyPhen-2, Align-GVGD) all suggest that this variant is likely to be tolerated. In summary, the available evidence is currently insufficient to determine the role of this variant in disease. Therefore, it has been classified as a Variant of Uncertain Significance.

Genome Diagnostics Laboratory, The Hospital for Sick Children
Classification: Uncertain significance for Autoinflammatory syndrome. Last evaluated: 2019-04-01. Review status: criteria provided, single submitter. Criteria: ACMG Guidelines, 2015. Collection method: clinical testing. Allele origin: germline. Affected: yes.

Revvity Omics, Revvity
Classification: Uncertain significance. Last evaluated: 2019-01-17. Review status: criteria provided, single submitter. Criteria: ACMG Guidelines, 2015. Collection method: clinical testing. Allele origin: germline.

NM_001083116.3(PRF1):c.1202C>T (p.Ala401Val)

Gene: PRF1 (perforin 1; minus strand). Cytogenetic location: 10q22.1.
Variant type: single nucleotide variant.
Coding change: c.1202C>T on transcript NM_001083116.3 (MANE Select); coding-DNA position 1202, C replaced by T.
Protein change: p.Ala401Val; replaces alanine 401 with valine.
Molecular consequence: missense variant.
Genome position (GRCh38, 1-based): chr10:70,598,519, G>A on the plus strand (C>T on the coding strand, the complement: PRF1 is on the minus strand). VCF-style: chr10-70598519-G-A. GRCh37 (hg19) VCF-style: chr10-72358275-G-A.
Other names: p.Ala401Val; c.1202C>T, p.Ala401Val (NM_005041.6); short protein forms A401V.
Identifiers: ClinVar variation 844947 (VCV000844947.13), dbSNP rs144242324, ClinGen allele CA5538797.